The following is an entry in ClinVar:

NM_000135.4(FANCA):c.3408+9C>G

Genes: FANCA (FA complementation group A; minus strand), LOC132090450 (Neanderthal introgressed variant-containing enhancer experimental_46718; plus strand). Cytogenetic location: 16q24.3.
Variant type: single nucleotide variant.
Coding change: c.3408+9C>G on transcript NM_000135.4 (MANE Select); 9 bases into the intron after coding-DNA position 3408, C replaced by G.
Molecular consequence: intron variant.
Genome position (GRCh38, 1-based): chr16:89,746,822, G>C on the plus strand (C>G on the coding strand, the complement: FANCA is on the minus strand). VCF-style: chr16-89746822-G-C. GRCh37 (hg19) VCF-style: chr16-89813230-G-C.
Other names: c.3408+9C>G (NM_001286167.3, NM_000135.3).
Identifiers: ClinVar variation 698322 (VCV000698322.19), dbSNP rs377702890, ClinGen allele CA8251194.

ClinVar aggregate classification (germline): Likely benign. Review status: criteria provided, multiple submitters, no conflicts (2 of 4 stars). 6 submissions from 6 submitters: Likely benign (4). 2 of the submissions do not count toward it. Last evaluated 2026-01-22.

Conditions:
Fanconi anemia (FA). Also called: Fanconi's anemia. Identifiers: Orphanet 84, MedGen C0015625, MeSH D005199, MONDO:0019391.
FANCA-related disorder. Also called: FANCA-related condition.
Fanconi anemia complementation group A (FANCA). Also called: Fanconi anemia, group A; FANCA-Related Fanconi Anemia. Identifiers: Orphanet 84, MedGen C3469521, MONDO:0009215, OMIM 227650.

Allele frequency attached by ClinVar (database versions not stated): gnomAD exomes 0.00007; ExAC 0.00014; 1000 Genomes Project 30x 0.00016; 1000 Genomes Project 0.00020; ESP Exome Variant Server 0.00031; TOPMed 0.00037; gnomAD 0.00040 and 0.00043.
gnomAD v4.1: 111 of 1,567,856 alleles (0.0071%); highest among the groups gnomAD compares: African/African-American, 0.14%; no homozygotes.

Submissions (6):

Labcorp Genetics (formerly Invitae), Labcorp
Classification: Likely benign for Fanconi anemia. Last evaluated: 2026-01-22. Review status: criteria provided, single submitter. Criteria: Invitae Variant Classification Sherloc (09022015). Collection method: clinical testing. Allele origin: germline.

Quest Diagnostics Nichols Institute San Juan Capistrano
Classification: Likely benign. Last evaluated: 2023-06-08. Review status: criteria provided, single submitter. Criteria: Quest Diagnostics criteria. Collection method: clinical testing. Allele origin: unknown.

Blueprint Genetics
Classification: Likely benign. Last evaluated: 2022-07-28. Review status: criteria provided, single submitter. Criteria: ACMG Guidelines, 2015. Collection method: clinical testing. Allele origin: germline.

Genetic Services Laboratory, University of Chicago
Classification: Likely benign. Last evaluated: 2020-09-10. Review status: criteria provided, single submitter. Criteria: ACMG Guidelines, 2015. Collection method: clinical testing. Allele origin: germline. Affected: no.

PreventionGenetics, part of Exact Sciences
Classification: Likely benign for FANCA-related condition. Last evaluated: 2022-02-10. Review status: no assertion criteria provided. Collection method: clinical testing. Allele origin: germline. Not counted in ClinVar's aggregate classification.
Comment: This variant is classified as likely benign based on ACMG/AMP sequence variant interpretation guidelines (Richards et al. 2015 PMID: 25741868, with internal and published modifications).

Natera, Inc.
Classification: Uncertain significance for Fanconi anemia, group A. Last evaluated: 2020-01-17. Review status: no assertion criteria provided. Collection method: clinical testing. Allele origin: germline. Not counted in ClinVar's aggregate classification.